The following is an entry in ClinVar:

ClinVar aggregate classification (germline): Uncertain significance (1 of 4 stars; one submission).

Allele frequency attached by ClinVar (database versions not stated): gnomAD exomes below 0.00001; ExAC 0.00001; gnomAD 0.00001.
gnomAD v4.1: 3 of 1,611,414 alleles (0.00019%); highest among the groups gnomAD compares: East Asian, 0.0022%; no homozygotes.

Submission:

Labcorp Genetics (formerly Invitae), Labcorp
Classification: Uncertain significance. Last evaluated: 2022-07-13. Review status: criteria provided, single submitter. Criteria: Invitae Variant Classification Sherloc (09022015). Collection method: clinical testing. Allele origin: germline.
Comment: This sequence change replaces valine, which is neutral and non-polar, with methionine, which is neutral and non-polar, at codon 1655 of the NIN protein (p.Val1655Met). This variant is present in population databases (rs765711770, gnomAD 0.003%). This variant has not been reported in the literature in individuals affected with NIN-related conditions. Algorithms developed to predict the effect of missense changes on protein structure and function output the following: SIFT: "Deleterious"; PolyPhen-2: "Possibly Damaging"; Align-GVGD: "Class C15". The methionine amino acid residue is found in multiple mammalian species, which suggests that this missense change does not adversely affect protein function. In summary, the available evidence is currently insufficient to determine the role of this variant in disease. Therefore, it has been classified as a Variant of Uncertain Significance.

NM_020921.4(NIN):c.4963G>A (p.Val1655Met)

Gene: NIN (ninein; minus strand). Cytogenetic location: 14q22.1.
Variant type: single nucleotide variant.
Coding change: c.4963G>A on transcript NM_020921.4 (MANE Select); coding-DNA position 4963, G replaced by A.
Protein change: p.Val1655Met; replaces valine 1655 with methionine.
Molecular consequence: missense variant.
Genome position (GRCh38, 1-based): chr14:50,748,093, C>T on the plus strand (G>A on the coding strand, the complement: NIN is on the minus strand). VCF-style: chr14-50748093-C-T. GRCh37 (hg19) VCF-style: chr14-51214811-C-T.
Other names: c.2824G>A, p.Val942Met (NM_016350.5); c.4963G>A, p.Val1655Met (NM_182944.3, NM_182946.2); short protein forms V942M, V1655M.
Identifiers: ClinVar variation 2012561 (VCV002012561.4), dbSNP rs765711770, ClinGen allele CA7181443.